The following is an entry in ClinVar:

ClinVar aggregate classification (germline): Uncertain significance. Review status: criteria provided, multiple submitters, no conflicts (2 of 4 stars). 2 submissions from 2 submitters: Uncertain significance (2). Last evaluated 2022-06-21.

Conditions:
Inborn genetic diseases. Identifiers: MedGen C0950123, MeSH D030342.
Microcephaly, epilepsy, and diabetes syndrome. Identifiers: Orphanet 306558, MedGen C3280240, MONDO:0100328.

Allele frequency attached by ClinVar (database versions not stated): TOPMed 0.00001.
gnomAD v4.1: 3 of 1,613,830 alleles (0.00019%); highest among the groups gnomAD compares: Admixed American, 0.0017%; no homozygotes.

Submissions (2):

Ambry Genetics
Classification: Uncertain significance for Inborn genetic diseases. Last evaluated: 2022-06-21. Review status: criteria provided, single submitter. Criteria: Ambry Variant Classification Scheme 2023. Collection method: clinical testing. Allele origin: germline.

Labcorp Genetics (formerly Invitae), Labcorp
Classification: Uncertain significance for Microcephaly, epilepsy, and diabetes syndrome. Last evaluated: 2021-08-26. Review status: criteria provided, single submitter. Criteria: Invitae Variant Classification Sherloc (09022015). Collection method: clinical testing. Allele origin: germline.
Comment: This sequence change replaces arginine with leucine at codon 57 of the IER3IP1 protein (p.Arg57Leu). The arginine residue is moderately conserved and there is a moderate physicochemical difference between arginine and leucine. This variant is not present in population databases (ExAC no frequency). This variant has not been reported in the literature in individuals affected with IER3IP1-related conditions. Algorithms developed to predict the effect of missense changes on protein structure and function are either unavailable or do not agree on the potential impact of this missense change (SIFT: "Tolerated"; PolyPhen-2: "Possibly Damaging"; Align-GVGD: "Class C0"). In summary, the available evidence is currently insufficient to determine the role of this variant in disease. Therefore, it has been classified as a Variant of Uncertain Significance.

NM_016097.5(IER3IP1):c.170G>T (p.Arg57Leu)

Gene: IER3IP1 (immediate early response 3 interacting protein 1; minus strand). Cytogenetic location: 18q21.1.
Variant type: single nucleotide variant.
Coding change: c.170G>T on transcript NM_016097.5 (MANE Select); coding-DNA position 170, G replaced by T.
Protein change: p.Arg57Leu; replaces arginine 57 with leucine.
Molecular consequence: missense variant.
Genome position (GRCh38, 1-based): chr18:47,157,459, C>A on the plus strand (G>T on the coding strand, the complement: IER3IP1 is on the minus strand). VCF-style: chr18-47157459-C-A. GRCh37 (hg19) VCF-style: chr18-44683830-C-A.
Other names: c.170G>T (NM_016097.3); short protein forms R57L.
Identifiers: ClinVar variation 951671 (VCV000951671.8), dbSNP rs149009126, ClinGen allele CA300177424.